The following is an entry in ClinVar:

ClinVar aggregate classification (germline): Pathogenic/Likely pathogenic. Review status: criteria provided, multiple submitters, no conflicts (2 of 4 stars). 2 submissions from 2 submitters: Pathogenic (1); Likely pathogenic (1). Last evaluated 2022-08-12.

Conditions:
Anemia, nonspherocytic hemolytic, due to G6PD deficiency (CNSHA1). Also called: Class I glucose-6-phosphate dehydrogenase deficiency; Favism, susceptibility to; ANEMIA, CONGENITAL, NONSPHEROCYTIC HEMOLYTIC, 1; Hemolytic anemia due to G6PD deficiency. Identifiers: Orphanet 466026, MedGen C2720289, MONDO:0010480, OMIM 300908.

Submissions (2):

Dunham Lab, University of Washington
Classification: Pathogenic for Anemia, nonspherocytic hemolytic, due to G6PD deficiency. Last evaluated: 2022-08-12. Review status: criteria provided, single submitter. Criteria: Bayesian ACMG Guidelines, 2018. Collection method: curation. Allele origin: inherited. Affected: yes.
Comment: Decreased activity in red blood cells (3-17%) (PS3). Within dimer interface (PM1). Predicted to be damaging or deleterious by multiple computational algorithms (PP3). Not found in gnomAD (PM2). Post_P 0.997 (odds of pathogenicity 3155, Prior_P 0.1).

Mayo Clinic Laboratories, Mayo Clinic
Classification: Likely pathogenic. Last evaluated: 2019-05-09. Review status: criteria provided, single submitter. Criteria: ACMG Guidelines, 2015. Collection method: clinical testing. Allele origin: germline. Observed: 1 variant allele.
Comment: PM1, PM2, PM5, PP4

Literature cited by the submitters: PubMed 16944148 (cited by Dunham Lab, University of Washington and Mayo Clinic Laboratories, Mayo Clinic); PubMed 32425388 (cited by Dunham Lab, University of Washington); PubMed 28028996 (cited by Dunham Lab, University of Washington); PubMed 31294066 (cited by Dunham Lab, University of Washington).

NM_001360016.2(G6PD):c.1186C>G (p.Pro396Ala)

Gene: G6PD (glucose-6-phosphate dehydrogenase; minus strand). Cytogenetic location: Xq28.
Variant type: single nucleotide variant.
Coding change: c.1186C>G on transcript NM_001360016.2 (MANE Select); coding-DNA position 1186, C replaced by G.
Protein change: p.Pro396Ala; replaces proline 396 with alanine.
Molecular consequence: missense variant.
Genome position (GRCh38, 1-based): chrX:154,532,668, G>C on the plus strand (C>G on the coding strand, the complement: G6PD is on the minus strand). VCF-style: chrX-154532668-G-C. GRCh37 (hg19) VCF-style: chrX-153760883-G-C.
Other names: c.1276C>G, p.Pro426Ala (NM_000402.4); c.1186C>G, p.Pro396Ala (NM_001042351.3); short protein forms P396A, P426A.
Identifiers: ClinVar variation 1163784 (VCV001163784.7), dbSNP rs2148328852, ClinGen allele CA415234036.
Genomic context (GRCh38, chrX:154,532,668, plus strand): 5'-CGGGGTTGAAGAACATGCCCGGCTTCTTGGTCATCATCTTGGTGTACACGGCCTCGTTGG[G>C]CTGCACGCGGATCACCAGCTCGTTGCGCTTGCACTGCTGGTGGAAGATGTCGCCGGCCAC-3'
Protein context (NP_001346945.1, residues 386-406): KRNELVIRVQ[Pro396Ala]NEAVYTKMMT